The following is an entry in ClinVar:

NM_001164508.2(NEB):c.6242_6243del (p.Leu2081fs)

Gene: NEB (nebulin; minus strand). Cytogenetic location: 2q23.3.
Variant type: Microsatellite.
Coding change: c.6242_6243del on transcript NM_001164508.2 (MANE Select); coding-DNA positions 6242 to 6243, 2 bases deleted (TC; older notation c.6242_6243delTC).
Protein change: p.Leu2081fs; shifts the reading frame from leucine 2081.
Molecular consequence: frameshift variant.
Genome position (GRCh38, 1-based): chr2:151,656,405-151,656,406, GA deleted on the plus strand (TC on the coding strand, the reverse complement: NEB is on the minus strand); deleting any 2 consecutive bases within chr2:151,656,405-151,656,408 gives the same sequence; the c. name uses the placement nearest the transcript's 3' end. VCF-style (leftmost placement, unchanged base first): chr2-151656404-CGA-C. GRCh37 (hg19) VCF-style: chr2-152512918-CGA-C.
Other names: c.6242_6243del, p.Leu2081fs (NM_001164507.2, NM_001271208.2, NM_004543.5); short protein forms L2081fs.
Identifiers: ClinVar variation 1384146 (VCV001384146.6), dbSNP rs2154149251, ClinGen allele CA2580614366.

ClinVar aggregate classification (germline): Pathogenic (1 of 4 stars; one submission).

Conditions:
Nemaline myopathy 2 (NEM2). Also called: Nemaline myopathy 2, autosomal recessive. Identifiers: MedGen C1850569, MONDO:0009725, OMIM 256030.

Submission:

Labcorp Genetics (formerly Invitae), Labcorp
Classification: Pathogenic for Nemaline myopathy 2. Last evaluated: 2022-07-06. Review status: criteria provided, single submitter. Criteria: Invitae Variant Classification Sherloc (09022015). Collection method: clinical testing. Allele origin: germline.
Comment: For these reasons, this variant has been classified as Pathogenic. This variant has not been reported in the literature in individuals affected with NEB-related conditions. This variant is not present in population databases (gnomAD no frequency). This sequence change creates a premature translational stop signal (p.Leu2081Argfs*3) in the NEB gene. It is expected to result in an absent or disrupted protein product. Loss-of-function variants in NEB are known to be pathogenic (PMID: 25205138).

Literature cited by the submitters: PubMed 25205138.